The following is an entry in ClinVar:

ClinVar aggregate classification (germline): Uncertain significance (1 of 4 stars; one submission).

Conditions:
Paramyotonia congenita of Von Eulenburg. Also called: PARALYSIS PERIODICA PARAMYOTONICA; Eulenburg disease; Myotonia congenita intermittens; Von Eulenburg paramyotonia congenita; Paramyotonia Congenita. Identifiers: Orphanet 684, MedGen C0221055, MONDO:0008195, OMIM 168300. Disease mechanism: loss of function.

Submission:

Institute of Human Genetics, University of Leipzig Medical Center
Classification: Uncertain significance for Paramyotonia congenita of Von Eulenburg. Last evaluated: 2024-10-30. Review status: criteria provided, single submitter. Criteria: ACMG Guidelines, 2015. Collection method: clinical testing. Allele origin: unknown. Inheritance: Autosomal dominant inheritance. Affected: yes.
Comment: Criteria applied: PM2,PM1_SUP,PP3,PP4

NM_000334.4(SCN4A):c.402C>A (p.Ser134Arg)

Gene: SCN4A (sodium voltage-gated channel alpha subunit 4; minus strand). Cytogenetic location: 17q23.3.
Variant type: single nucleotide variant.
Coding change: c.402C>A on transcript NM_000334.4 (MANE Select); coding-DNA position 402, C replaced by A.
Protein change: p.Ser134Arg; replaces serine 134 with arginine.
Molecular consequence: missense variant.
Genome position (GRCh38, 1-based): chr17:63,972,216, G>T on the plus strand (C>A on the coding strand, the complement: SCN4A is on the minus strand). VCF-style: chr17-63972216-G-T. GRCh37 (hg19) VCF-style: chr17-62049576-G-T.
Other names: short protein forms S134R.
Identifiers: ClinVar variation 3376152 (VCV003376152.3).
Genomic context (GRCh38, chr17:63,972,216, plus strand): 5'-AGGCGGGTCACTCATGGTCATGAATACGCAGTTGGTCAAGATGGTGATCATGATGAACAT[G>T]CTGAACAGCGTGGGGCAGGGTCAAGGAAAGTGAGGAAGCAGCTAGGATGGGAGGTGATAG-3'
Protein context (NP_000325.4, residues 124-144): AIKVLIHALF[Ser134Arg]MFIMITILTN